The following is an entry in ClinVar:

NM_002439.5(MSH3):c.2962G>T (p.Ala988Ser)

Gene: MSH3 (mutS homolog 3; plus strand). Cytogenetic location: 5q14.1.
Variant type: single nucleotide variant.
Coding change: c.2962G>T on transcript NM_002439.5 (MANE Select); coding-DNA position 2962, G replaced by T.
Protein change: p.Ala988Ser; replaces alanine 988 with serine.
Molecular consequence: missense variant.
Genome position (GRCh38, 1-based): chr5:80,854,278, G>T. VCF-style: chr5-80854278-G-T. GRCh37 (hg19) VCF-style: chr5-80150097-G-T.
Other names: short protein forms A988S.
Identifiers: ClinVar variation 648962 (VCV000648962.14), dbSNP rs1580091606, ClinGen allele CA360275784.

ClinVar aggregate classification (germline): Uncertain significance. Review status: criteria provided, multiple submitters, no conflicts (2 of 4 stars). 2 submissions from 2 submitters: Uncertain significance (2). Last evaluated 2025-02-21.

Conditions:
Hereditary cancer-predisposing syndrome. Also called: Neoplastic Syndromes, Hereditary; Tumor predisposition; Hereditary Cancer Syndrome; Hereditary neoplastic syndrome. Identifiers: Orphanet 140162, MedGen C0027672, MeSH D009386, MONDO:0015356.

Submissions (2):

Ambry Genetics
Classification: Uncertain significance for Hereditary cancer-predisposing syndrome. Last evaluated: 2025-02-21. Review status: criteria provided, single submitter. Criteria: Ambry Variant Classification Scheme 2023. Collection method: clinical testing. Allele origin: germline.
Comment: The p.A988S variant (also known as c.2962G>T), located in coding exon 21 of the MSH3 gene, results from a G to T substitution at nucleotide position 2962. The alanine at codon 988 is replaced by serine, an amino acid with similar properties. This amino acid position is conserved. In addition, the in silico prediction for this alteration is inconclusive. Since supporting evidence is limited at this time, the clinical significance of this alteration remains unclear.

Labcorp Genetics (formerly Invitae), Labcorp
Classification: Uncertain significance. Last evaluated: 2023-10-12. Review status: criteria provided, single submitter. Criteria: Invitae Variant Classification Sherloc (09022015). Collection method: clinical testing. Allele origin: germline.
Comment: This sequence change replaces alanine, which is neutral and non-polar, with serine, which is neutral and polar, at codon 988 of the MSH3 protein (p.Ala988Ser). This variant is not present in population databases (gnomAD no frequency). This variant has not been reported in the literature in individuals affected with MSH3-related conditions. ClinVar contains an entry for this variant (Variation ID: 648962). An algorithm developed to predict the effect of missense changes on protein structure and function (PolyPhen-2) suggests that this variant is likely to be disruptive. In summary, the available evidence is currently insufficient to determine the role of this variant in disease. Therefore, it has been classified as a Variant of Uncertain Significance.